The following is an entry in ClinVar:

ClinVar aggregate classification (germline): Uncertain significance (1 of 4 stars; one submission).

gnomAD v4.1: 3 of 1,614,042 alleles (0.00019%); highest among the groups gnomAD compares: African/African-American, 0.0027%; no homozygotes.

Submission:

Ambry Genetics
Classification: Uncertain significance. Last evaluated: 2026-02-17. Review status: criteria provided, single submitter. Criteria: Ambry Variant Classification Scheme 2023. Collection method: clinical testing. Allele origin: germline.
Comment: The p.L1046F variant (also known as c.3136C>T), located in coding exon 1 of the TET2 gene, results from a C to T substitution at nucleotide position 3136. The leucine at codon 1046 is replaced by phenylalanine, an amino acid with highly similar properties. This amino acid position is conserved. In addition, this alteration is predicted to be tolerated by in silico analysis. Based on the available evidence, the clinical significance of this variant remains unclear.

NM_001127208.3(TET2):c.3136C>T (p.Leu1046Phe)

Genes: TET2 (tet methylcytosine dioxygenase 2; plus strand), TET2-AS1 (TET2 antisense RNA 1; minus strand). Cytogenetic location: 4q24.
Variant type: single nucleotide variant.
Coding change: c.3136C>T on transcript NM_001127208.3 (MANE Select); coding-DNA position 3136, C replaced by T.
Protein change: p.Leu1046Phe; replaces leucine 1046 with phenylalanine.
Molecular consequence: missense variant.
Genome position (GRCh38, 1-based): chr4:105,237,078, C>T. VCF-style: chr4-105237078-C-T. GRCh37 (hg19) VCF-style: chr4-106158235-C-T.
Other names: c.3136C>T, p.Leu1046Phe (NM_017628.4); short protein forms L1046F.
Identifiers: ClinVar variation 4825022 (VCV004825022.1).
Genomic context (GRCh38, chr4:105,237,078, plus strand): 5'-GAGACCATGGAGCAGCATCTGAAGCAGTTTCACGCCAAGTCGTTATTTGACCATAAGGCT[C>T]TTACTCTCAAATCACAGAAGCAAGTAAAAGTTGAAATGTCAGGGCCAGTCACAGTTTTGA-3'
Protein context (NP_001120680.1, residues 1036-1056): HAKSLFDHKA[Leu1046Phe]TLKSQKQVKV